The following is an entry in ClinVar:

ClinVar aggregate classification (germline): Conflicting classifications of pathogenicity. Review status: criteria provided, conflicting classifications (1 of 4 stars). 3 submissions from 3 submitters: Uncertain significance (2); Likely benign (1). Last evaluated 2026-05-05.

Conditions:
Neurofibromatosis, type 1 (NF1). Also called: Peripheral type neurofibromatosis; NEUROFIBROMATOSIS, TYPE I, SOMATIC; Neurofibromatosis, type I; VON RECKLINGHAUSEN DISEASE. Identifiers: Orphanet 636, MedGen C0027831, MONDO:0018975, OMIM 162200. Disease mechanism: loss of function.
Cardiovascular phenotype. Identifiers: MedGen CN230736.
Hereditary cancer-predisposing syndrome. Also called: Neoplastic Syndromes, Hereditary; Tumor predisposition; Hereditary Cancer Syndrome; Hereditary neoplastic syndrome. Identifiers: Orphanet 140162, MedGen C0027672, MeSH D009386, MONDO:0015356.

Allele frequency attached by ClinVar (database versions not stated): gnomAD 0.00001; TOPMed below 0.00001.
gnomAD v4.1: 1 of 1,613,586 alleles (0.000062%); highest among the groups gnomAD compares: Non-Finnish European, 0.000085%; no homozygotes.

Submissions (3):

Ambry Genetics
Classification: Likely benign for Cardiovascular phenotype; Hereditary cancer-predisposing syndrome. Last evaluated: 2026-05-05. Review status: criteria provided, single submitter. Criteria: Ambry Variant Classification Scheme 2023. Collection method: clinical testing. Allele origin: germline.

Quest Diagnostics Nichols Institute San Juan Capistrano
Classification: Uncertain significance. Last evaluated: 2025-08-18. Review status: criteria provided, single submitter. Criteria: Quest Diagnostics criteria. Collection method: clinical testing. Allele origin: unknown.

Labcorp Genetics (formerly Invitae), Labcorp
Classification: Uncertain significance for Neurofibromatosis, type 1. Last evaluated: 2022-12-24. Review status: criteria provided, single submitter. Criteria: Invitae Variant Classification Sherloc (09022015). Collection method: clinical testing. Allele origin: germline.
Comment: In summary, the available evidence is currently insufficient to determine the role of this variant in disease. Therefore, it has been classified as a Variant of Uncertain Significance. Advanced modeling of protein sequence and biophysical properties (such as structural, functional, and spatial information, amino acid conservation, physicochemical variation, residue mobility, and thermodynamic stability) performed at Invitae indicates that this missense variant is not expected to disrupt NF1 protein function. ClinVar contains an entry for this variant (Variation ID: 1784806). This variant has not been reported in the literature in individuals affected with NF1-related conditions. This variant is present in population databases (no rsID available, gnomAD 0.007%). This sequence change replaces isoleucine, which is neutral and non-polar, with valine, which is neutral and non-polar, at codon 679 of the NF1 protein (p.Ile679Val).

NM_001042492.3(NF1):c.2035A>G (p.Ile679Val)

Gene: NF1 (neurofibromin 1; plus strand). Cytogenetic location: 17q11.2.
Variant type: single nucleotide variant.
Coding change: c.2035A>G on transcript NM_001042492.3 (MANE Select); coding-DNA position 2035, A replaced by G.
Protein change: p.Ile679Val; replaces isoleucine 679 with valine.
Molecular consequence: missense variant.
Genome position (GRCh38, 1-based): chr17:31,226,468, A>G. VCF-style: chr17-31226468-A-G. GRCh37 (hg19) VCF-style: chr17-29553486-A-G.
Other names: c.2035A>G, p.Ile679Val (NM_000267.4); short protein forms I679V.
Identifiers: ClinVar variation 1784806 (VCV001784806.8), dbSNP rs1254780857, ClinGen allele CA398982050.